The following is an entry in ClinVar:

NM_002691.4(POLD1):c.748T>G (p.Phe250Val)

Gene: POLD1 (DNA polymerase delta 1, catalytic subunit; plus strand). Cytogenetic location: 19q13.33.
Variant type: single nucleotide variant.
Coding change: c.748T>G on transcript NM_002691.4 (MANE Select); coding-DNA position 748, T replaced by G.
Protein change: p.Phe250Val; replaces phenylalanine 250 with valine.
Molecular consequence: missense variant. On other transcripts: non-coding transcript variant (1).
Genome position (GRCh38, 1-based): chr19:50,402,363, T>G. VCF-style: chr19-50402363-T-G. GRCh37 (hg19) VCF-style: chr19-50905620-T-G.
Other names: c.748T>G, p.Phe250Val (NM_001256849.1, NM_001308632.1); short protein forms F250V.
Identifiers: ClinVar variation 1759152 (VCV001759152.4), dbSNP rs2513964724, ClinGen allele CA406974641.

ClinVar aggregate classification (germline): Uncertain significance. Review status: criteria provided, multiple submitters, no conflicts (2 of 4 stars). 2 submissions from 2 submitters: Uncertain significance (2). Last evaluated 2025-01-07.

Conditions:
Hereditary cancer-predisposing syndrome. Also called: Neoplastic Syndromes, Hereditary; Tumor predisposition; Hereditary neoplastic syndrome; Hereditary Cancer Syndrome. Identifiers: Orphanet 140162, MedGen C0027672, MeSH D009386, MONDO:0015356.
POLD1-related polyposis and colorectal cancer syndrome (CRCS10). Also called: COLORECTAL CANCER, SUSCEPTIBILITY TO, ON CHROMOSOME 19q; Colorectal cancer 10; Colorectal cancer, susceptibility to, 10. Identifiers: Orphanet 220460, MedGen C2675481, MONDO:0012953, OMIM 612591.

Allele frequency attached by ClinVar (database versions not stated): gnomAD exomes 0.00001.

Submissions (2):

Labcorp Genetics (formerly Invitae), Labcorp
Classification: Uncertain significance for POLD1-related polyposis and colorectal cancer syndrome. Last evaluated: 2025-01-07. Review status: criteria provided, single submitter. Criteria: Invitae Variant Classification Sherloc (09022015). Collection method: clinical testing. Allele origin: germline.
Comment: This sequence change replaces phenylalanine, which is neutral and non-polar, with valine, which is neutral and non-polar, at codon 250 of the POLD1 protein (p.Phe250Val). This variant is not present in population databases (gnomAD no frequency). This variant has not been reported in the literature in individuals affected with POLD1-related conditions. ClinVar contains an entry for this variant (Variation ID: 1759152). Invitae Evidence Modeling of protein sequence and biophysical properties (such as structural, functional, and spatial information, amino acid conservation, physicochemical variation, residue mobility, and thermodynamic stability) indicates that this missense variant is not expected to disrupt POLD1 protein function with a negative predictive value of 80%. In summary, the available evidence is currently insufficient to determine the role of this variant in disease. Therefore, it has been classified as a Variant of Uncertain Significance.

Ambry Genetics
Classification: Uncertain significance for Hereditary cancer-predisposing syndrome. Last evaluated: 2022-10-19. Review status: criteria provided, single submitter. Criteria: Ambry Variant Classification Scheme 2023. Collection method: clinical testing. Allele origin: germline.
Comment: The p.F250V variant (also known as c.748T>G), located in coding exon 5 of the POLD1 gene, results from a T to G substitution at nucleotide position 748. The phenylalanine at codon 250 is replaced by valine, an amino acid with highly similar properties. This amino acid position is conserved. In addition, the in silico prediction for this alteration is inconclusive. Since supporting evidence is limited at this time, the clinical significance of this alteration remains unclear.